The following is an entry in ClinVar:

ClinVar aggregate classification (germline): Uncertain significance (1 of 4 stars; one submission).

Conditions:
Ullrich congenital muscular dystrophy 2 (UCMD2). Identifiers: Orphanet 75840, MedGen C4225314, MONDO:0014654, OMIM 616470.
Bethlem myopathy 2 (BTHLM2). Identifiers: Orphanet 536516, Orphanet 610, MedGen C4225313, MONDO:0034022, OMIM 616471.

Submission:

Labcorp Genetics (formerly Invitae), Labcorp
Classification: Uncertain significance for Bethlem myopathy 2; Ullrich congenital muscular dystrophy 2. Last evaluated: 2022-08-09. Review status: criteria provided, single submitter. Criteria: Invitae Variant Classification Sherloc (09022015). Collection method: clinical testing. Allele origin: germline.
Comment: In summary, the available evidence is currently insufficient to determine the role of this variant in disease. Therefore, it has been classified as a Variant of Uncertain Significance. Algorithms developed to predict the effect of sequence changes on RNA splicing suggest that this variant may disrupt the consensus splice site. This variant has not been reported in the literature in individuals affected with COL12A1-related conditions. This variant is not present in population databases (gnomAD no frequency). This sequence change affects a donor splice site in intron 8 of the COL12A1 gene. Multiple COL12A1 isoforms have been reported, and the functional impact of this variant is uncertain (PMID: 8601036).

Literature cited by the submitters: PubMed 8601036.

NM_004370.6(COL12A1):c.997+2T>C

Gene: COL12A1 (collagen type XII alpha 1 chain; minus strand). Cytogenetic location: 6q13.
Variant type: single nucleotide variant.
Coding change: c.997+2T>C on transcript NM_004370.6 (MANE Select); the canonical splice donor site of the intron after coding-DNA position 997, T replaced by C.
Molecular consequence: splice donor variant. On other transcripts: intron variant (1).
Genome position (GRCh38, 1-based): chr6:75,188,360, A>G on the plus strand (T>C on the coding strand, the complement: COL12A1 is on the minus strand). VCF-style: chr6-75188360-A-G. GRCh37 (hg19) VCF-style: chr6-75898076-A-G.
Other names: c.73+14360T>C (NM_080645.3).
Identifiers: ClinVar variation 2122165 (VCV002122165.4), dbSNP rs2533595420, ClinGen allele CA364727374.